The following is an entry in ClinVar:

ClinVar aggregate classification (germline): Pathogenic/Likely pathogenic. Review status: criteria provided, multiple submitters, no conflicts (2 of 4 stars). 12 submissions from 12 submitters: Pathogenic (1); Likely pathogenic (10). 1 of the submissions does not count toward it. Last evaluated 2025-12-29.

Conditions:
Hereditary cancer-predisposing syndrome. Also called: Hereditary neoplastic syndrome; Neoplastic Syndromes, Hereditary; Tumor predisposition; Hereditary Cancer Syndrome. Identifiers: Orphanet 140162, MedGen C0027672, MeSH D009386, MONDO:0015356.
Hereditary breast ovarian cancer syndrome. Also called: Hereditary breast and ovarian cancer syndrome (HBOC); Breast and ovarian cancer; Hereditary breast and/or ovarian cancer syndrome; BRCA1- and BRCA2-Associated Hereditary Breast and Ovarian Cancer; Hereditary breast and ovarian cancer syndrome; Hereditary breast and ovarian cancer. Identifiers: Orphanet 145, MedGen C0677776, MeSH D061325, MONDO:0003582. Disease mechanism: loss of function.
Familial cancer of breast. Also called: BREAST CANCER, FAMILIAL; Hereditary breast cancer; hereditary breast carcinoma. Identifiers: Orphanet 227535, MedGen C0346153, MONDO:0016419, OMIM 114480. Disease mechanism: loss of function.

Allele frequency attached by ClinVar (database versions not stated): gnomAD exomes below 0.00001; ExAC 0.00001.
gnomAD v4.1: 2 of 1,614,212 alleles (0.00012%); highest among the groups gnomAD compares: Non-Finnish European, 0.00017%; no homozygotes.

Submissions (12):

Center for Genomic Medicine, Rigshospitalet, Copenhagen University Hospital
Classification: Likely pathogenic. Last evaluated: 2025-12-29. Review status: criteria provided, single submitter. Criteria: ACMG Guidelines, 2015. Collection method: clinical testing. Allele origin: germline.
Comment: Classification criteria: PVS1, PM2_supporting

Labcorp Genetics (formerly Invitae), Labcorp
Classification: Pathogenic for Familial cancer of breast. Last evaluated: 2025-11-24. Review status: criteria provided, single submitter. Criteria: Invitae Variant Classification Sherloc (09022015). Collection method: clinical testing. Allele origin: germline.
Comment: This sequence change affects a donor splice site in intron 7 of the PALB2 gene. RNA analysis indicates that disruption of this splice site induces altered splicing and likely results in a shortened protein product. This variant is present in population databases (rs753153576, gnomAD 0.0009%). Disruption of this splice site has been observed in individual(s) with breast cancer (PMID: 28825143, 30720863, 31263054, 31841383). ClinVar contains an entry for this variant (Variation ID: 186035). Studies have shown that disruption of this splice site results in skipping of exon 7, but is expected to preserve the integrity of the reading-frame (PMID: 30890586). This variant disrupts the WD40-like repeats of the PALB2 protein, which are required for interactions with the BRCA2, POLH, and RAD51C proteins (PMID: 24141787, 24485656). While functional studies have not been performed to directly test the effect of this variant on PALB2 protein function, this suggests that disruption of this region of the protein is causative of disease. For these reasons, this variant has been classified as Pathogenic.

Ambry Genetics
Classification: Likely pathogenic for Hereditary cancer-predisposing syndrome. Last evaluated: 2025-02-22. Review status: criteria provided, single submitter. Criteria: Ambry Variant Classification Scheme 2023. Collection method: clinical testing. Allele origin: germline.
Comment: The c.2748+1G>T intronic variant results from a G to T substitution one nucleotide after coding exon 7 of the PALB2 gene. Alterations that disrupt the canonical splice site are expected to result in aberrant splicing. In silico splice site analysis predicts that this alteration will weaken the native splice donor site; however, direct evidence is insufficient at this time (Ambry internal data). The resulting transcript is predicted to be in-frame and is not expected to trigger nonsense-mediated mRNAdecay, though the impacted region is critical for protein function (Ambry internal data). This variant is considered to be rare based on population cohorts in the Genome Aggregation Database (gnomAD). In addition, this nucleotide position is highly conserved in available vertebrate species. Based on the majority of available evidence to date, this variant is likely to be pathogenic.

Department of Clinical Genetics, Copenhagen University Hospital, Rigshospitalet
Classification: Likely pathogenic for Hereditary cancer-predisposing syndrome. Last evaluated: 2025-02-04. Review status: criteria provided, single submitter. Criteria: ACMG Guidelines, 2015. Collection method: clinical testing. Allele origin: germline.
Comment: PVS1; PM2_SUP

Clinical Genetics Laboratory, Skane University Hospital Lund
Classification: Likely pathogenic. Last evaluated: 2024-02-12. Review status: criteria provided, single submitter. Criteria: ACMG Guidelines, 2015. Collection method: clinical testing. Allele origin: germline. Affected: yes.

Myriad Genetics, Inc.
Classification: Likely pathogenic for Familial cancer of breast. Last evaluated: 2023-09-13. Review status: criteria provided, single submitter. Criteria: Myriad Autosomal Dominant, Autosomal Recessive and X-Linked Classification Criteria (2023). Collection method: clinical testing. Allele origin: unknown.
Comment: This variant is considered likely pathogenic. This variant occurs within a consensus splice junction and is predicted to result in abnormal mRNA splicing of either an out-of-frame exon or an in-frame exon necessary for protein stability and/or normal function.

Baylor Genetics
Classification: Likely pathogenic for Familial cancer of breast. Last evaluated: 2023-07-01. Review status: criteria provided, single submitter. Criteria: ACMG Guidelines, 2015. Collection method: clinical testing. Allele origin: unknown.

Institute for Clinical Genetics, University Hospital TU Dresden, University Hospital TU Dresden
Classification: Likely pathogenic. Last evaluated: 2021-10-05. Review status: criteria provided, single submitter. Criteria: ACMG Guidelines, 2015. Collection method: clinical testing. Allele origin: germline.
Comment: PM2_SUP, PVS1_STR

GeneDx
Classification: Likely pathogenic. Last evaluated: 2021-05-25. Review status: criteria provided, single submitter. Criteria: GeneDx Variant Classification Process June 2021. Collection method: clinical testing. Allele origin: germline. Affected: yes.
Comment: Canonical splice site variant demonstrated to result in an in-frame loss of exon 7 (Lopez-Perolio 2019), which includes a critical region (Oliver 2009, Buisson 2010, Buisson 2014, UniProt); Observed in individuals with a personal or family history including breast, ovarian, and other cancers (Yang 2020); Not observed at significant frequency in large population cohorts (Lek et al., 2016); This variant is associated with the following publications: (PMID: 30003184, 30890586, 29922827, 31447099, 31841383, 31589614)

Color Diagnostics, LLC DBA Color Health
Classification: Likely pathogenic for Hereditary cancer-predisposing syndrome. Last evaluated: 2020-02-25. Review status: criteria provided, single submitter. Criteria: ACMG Guidelines, 2015. Collection method: clinical testing. Allele origin: germline.
Comment: This variant causes a G>T nucleotide substitution at the +1 position of intron 7 of the PALB2 gene. Splice site prediction tools predict that this variant may have a significant impact on RNA splicing. To our knowledge, functional studies have not been performed for this variant. This variant has not been reported in individuals affected with hereditary cancer in the literature. This variant has been identified in 1/251470 chromosomes in the general population by the Genome Aggregation Database (gnomAD). Loss of PALB2 function is a known mechanism of disease. Based on the available evidence, this variant is classified as Likely Pathogenic.

Human Genome Sequencing Center Clinical Lab, Baylor College of Medicine
Classification: Likely pathogenic for Familial cancer of breast. Last evaluated: 2018-02-25. Review status: criteria provided, single submitter. Criteria: ACMG Guidelines, 2015. Collection method: clinical testing. Allele origin: germline.
Comment: The c.2748+1G>T variant in the PALB2 gene is predicted to disrupt a canonical splice donor site and thus alter mRNA splicing. This variant is extremely rare in the general population. This c.2748+1G>T variant in the PALB2 gene is classified as likely pathogenic.

BRCAlab, Lund University
Classification: Likely pathogenic for Hereditary breast ovarian cancer syndrome. Last evaluated: 2022-08-26. Review status: no assertion criteria provided. Collection method: clinical testing. Allele origin: germline. Affected: yes. Not counted in ClinVar's aggregate classification.

Literature cited by the submitters: PubMed 30890586 (cited by 3 submitters); PubMed 31841383 (cited by 3 submitters); PubMed 28825143 (cited by Labcorp Genetics (formerly Invitae), Labcorp and Ambry Genetics); PubMed 30720863 (cited by Labcorp Genetics (formerly Invitae), Labcorp); PubMed 31263054 (cited by Labcorp Genetics (formerly Invitae), Labcorp); PubMed 24141787 (cited by Labcorp Genetics (formerly Invitae), Labcorp); PubMed 24485656 (cited by Labcorp Genetics (formerly Invitae), Labcorp); PubMed 29922827 (cited by Ambry Genetics); PubMed 31447099 (cited by Ambry Genetics); PubMed 33471991 (cited by Ambry Genetics).

NM_024675.4(PALB2):c.2748+1G>T

Gene: PALB2 (partner and localizer of BRCA2; minus strand). Cytogenetic location: 16p12.2.
Variant type: single nucleotide variant.
Coding change: c.2748+1G>T on transcript NM_024675.4 (MANE Select); the canonical splice donor site of the intron after coding-DNA position 2748, G replaced by T.
Molecular consequence: splice donor variant. On other transcripts: intron variant (3).
Genome position (GRCh38, 1-based): chr16:23,626,235, C>A on the plus strand (G>T on the coding strand, the complement: PALB2 is on the minus strand). VCF-style: chr16-23626235-C-A. GRCh37 (hg19) VCF-style: chr16-23637556-C-A.
Other names: c.1863+1G>T (NM_001407308.1, NM_001407306.1, NM_001407309.1 and 4 more transcripts); c.282+1G>T (NM_001407314.1); c.960+1G>T (NM_001407313.1, NM_001407312.1); c.2688+1G>T (NM_001407296.1); c.2676+1G>T (NM_001407297.1); c.2587-2141G>T (NM_001407302.1, NM_001407298.1); c.2748+1G>T (NM_001407300.1, NM_001407299.1, NM_001407301.1); c.1702-2141G>T (NM_001407307.1).
Identifiers: ClinVar variation 186035 (VCV000186035.54), dbSNP rs753153576, ClinGen allele CA193676.